The following is an entry in ClinVar:

NM_015570.4(AUTS2):c.2065C>T (p.Arg689Cys)

Gene: AUTS2 (activator of transcription and developmental regulator AUTS2; plus strand). Cytogenetic location: 7q11.22.
Variant type: single nucleotide variant.
Coding change: c.2065C>T on transcript NM_015570.4 (MANE Select); coding-DNA position 2065, C replaced by T.
Protein change: p.Arg689Cys; replaces arginine 689 with cysteine.
Molecular consequence: missense variant.
Genome position (GRCh38, 1-based): chr7:70,781,675, C>T. VCF-style: chr7-70781675-C-T. GRCh37 (hg19) VCF-style: chr7-70246661-C-T.
Other names: c.1993C>T, p.Arg665Cys (NM_001127231.3); short protein forms R689C, R665C.
Identifiers: ClinVar variation 2272184 (VCV002272184.5), dbSNP rs761324549, ClinGen allele CA4280901.

ClinVar aggregate classification (germline): Conflicting classifications of pathogenicity. Review status: criteria provided, conflicting classifications (1 of 4 stars). 2 submissions from 2 submitters: Uncertain significance (1); Likely benign (1). Last evaluated 2023-08-09.

Conditions:
Inborn genetic diseases. Identifiers: MedGen C0950123, MeSH D030342.

Allele frequency attached by ClinVar (database versions not stated): gnomAD 0.00001; gnomAD exomes 0.00001; ExAC 0.00002.
gnomAD v4.1: 21 of 1,614,064 alleles (0.0013%); highest among the groups gnomAD compares: East Asian, 0.0045%; no homozygotes.

Submissions (2):

Labcorp Genetics (formerly Invitae), Labcorp
Classification: Uncertain significance. Last evaluated: 2023-08-09. Review status: criteria provided, single submitter. Criteria: Invitae Variant Classification Sherloc (09022015). Collection method: clinical testing. Allele origin: germline.
Comment: In summary, the available evidence is currently insufficient to determine the role of this variant in disease. Therefore, it has been classified as a Variant of Uncertain Significance. Advanced modeling of protein sequence and biophysical properties (such as structural, functional, and spatial information, amino acid conservation, physicochemical variation, residue mobility, and thermodynamic stability) performed at Invitae indicates that this missense variant is not expected to disrupt AUTS2 protein function. ClinVar contains an entry for this variant (Variation ID: 2272184). This variant has not been reported in the literature in individuals affected with AUTS2-related conditions. This variant is present in population databases (rs761324549, gnomAD 0.004%). This sequence change replaces arginine, which is basic and polar, with cysteine, which is neutral and slightly polar, at codon 689 of the AUTS2 protein (p.Arg689Cys).

Ambry Genetics
Classification: Likely benign for Inborn genetic diseases. Last evaluated: 2022-02-22. Review status: criteria provided, single submitter. Criteria: Ambry Variant Classification Scheme 2023. Collection method: clinical testing. Allele origin: germline.